The following is an entry in ClinVar:

NM_002907.4(RECQL):c.1845G>A (p.Met615Ile)

Genes: PYROXD1 (pyridine nucleotide-disulphide oxidoreductase domain 1; plus strand), RECQL (RecQ like helicase; minus strand). Cytogenetic location: 12p12.1.
Variant type: single nucleotide variant.
Coding change: c.1845G>A on transcript NM_002907.4 (MANE Select); coding-DNA position 1845, G replaced by A.
Protein change: p.Met615Ile; replaces methionine 615 with isoleucine.
Molecular consequence: missense variant. On other transcripts: 3 prime UTR variant (3).
Genome position (GRCh38, 1-based): chr12:21,470,299, C>T on the plus strand (G>A on the coding strand, the complement: RECQL is on the minus strand). VCF-style: chr12-21470299-C-T. GRCh37 (hg19) VCF-style: chr12-21623233-C-T.
Other names: c.1845G>A, p.Met615Ile (NM_032941.3); c.*1545C>T (NM_001350912.2, NM_001350913.2, NM_024854.5); short protein forms M615I.
Identifiers: ClinVar variation 3653244 (VCV003653244.2).

ClinVar aggregate classification (germline): Uncertain significance (1 of 4 stars; one submission).

Submission:

Labcorp Genetics (formerly Invitae), Labcorp
Classification: Uncertain significance. Last evaluated: 2024-05-13. Review status: criteria provided, single submitter. Criteria: Invitae Variant Classification Sherloc (09022015). Collection method: clinical testing. Allele origin: germline.
Comment: This sequence change replaces methionine, which is neutral and non-polar, with isoleucine, which is neutral and non-polar, at codon 615 of the RECQL protein (p.Met615Ile). This variant is not present in population databases (gnomAD no frequency). This variant has not been reported in the literature in individuals affected with RECQL-related conditions. An algorithm developed to predict the effect of missense changes on protein structure and function (PolyPhen-2) suggests that this variant is likely to be tolerated. In summary, the available evidence is currently insufficient to determine the role of this variant in disease. Therefore, it has been classified as a Variant of Uncertain Significance.